The following is an entry in ClinVar:

NM_000051.4(ATM):c.3998A>G (p.Asp1333Gly)

Gene: ATM (ATM serine/threonine kinase; plus strand). Cytogenetic location: 11q22.3.
Variant type: single nucleotide variant.
Coding change: c.3998A>G on transcript NM_000051.4 (MANE Select); coding-DNA position 3998, A replaced by G.
Protein change: p.Asp1333Gly; replaces aspartic acid 1333 with glycine.
Molecular consequence: missense variant.
Genome position (GRCh38, 1-based): chr11:108,287,604, A>G. VCF-style: chr11-108287604-A-G. GRCh37 (hg19) VCF-style: chr11-108158331-A-G.
Other names: c.3998A>G, p.Asp1333Gly (NM_001351834.2); short protein forms D1333G.
Identifiers: ClinVar variation 2882939 (VCV002882939.3), dbSNP rs746709782, ClinGen allele CA382527448.

ClinVar aggregate classification (germline): Uncertain significance (1 of 4 stars; one submission).

Conditions:
Ataxia-telangiectasia syndrome (AT). Also called: Ataxia-telangiectasia, complementation group E; Ataxia telangiectasia (A-T); LOUIS-BAR SYNDROME; ATAXIA-TELANGIECTASIA, COMPLEMENTATION GROUP A; ATAXIA-TELANGIECTASIA, FRESNO VARIANT; Ataxia-telangiectasia, complementation group D. Identifiers: Orphanet 100, MedGen C0004135, MONDO:0008840, OMIM 208900.

gnomAD v4.1: 3 of 1,605,532 alleles (0.00019%); highest among the groups gnomAD compares: South Asian, 0.0011%; no homozygotes.

Submission:

Labcorp Genetics (formerly Invitae), Labcorp
Classification: Uncertain significance for Ataxia-telangiectasia syndrome. Last evaluated: 2023-08-14. Review status: criteria provided, single submitter. Criteria: Invitae Variant Classification Sherloc (09022015). Collection method: clinical testing. Allele origin: germline.
Comment: This sequence change replaces aspartic acid, which is acidic and polar, with glycine, which is neutral and non-polar, at codon 1333 of the ATM protein (p.Asp1333Gly). This variant is not present in population databases (gnomAD no frequency). This variant has not been reported in the literature in individuals affected with ATM-related conditions. An algorithm developed to predict the effect of missense changes on protein structure and function (PolyPhen-2) suggests that this variant is likely to be disruptive. In summary, the available evidence is currently insufficient to determine the role of this variant in disease. Therefore, it has been classified as a Variant of Uncertain Significance.